The following is an entry in ClinVar:

ClinVar aggregate classification (germline): Uncertain significance (1 of 4 stars; one submission).

Conditions:
Gastrointestinal stromal tumor. Also called: Gastrointestinal stroma tumor; Gastrointestinal stromal tumor, somatic. Identifiers: Orphanet 44890, MedGen C0238198, MeSH D046152, MONDO:0011719, OMIM 606764, HP:0100723.

Submission:

Labcorp Genetics (formerly Invitae), Labcorp
Classification: Uncertain significance for Gastrointestinal stromal tumor. Last evaluated: 2022-01-03. Review status: criteria provided, single submitter. Criteria: Invitae Variant Classification Sherloc (09022015). Collection method: clinical testing. Allele origin: germline.
Comment: This variant is not present in population databases (gnomAD no frequency). This variant has not been reported in the literature in individuals affected with PDGFRA-related conditions. Algorithms developed to predict the effect of missense changes on protein structure and function (SIFT, PolyPhen-2, Align-GVGD) all suggest that this variant is likely to be tolerated. In summary, the available evidence is currently insufficient to determine the role of this variant in disease. Therefore, it has been classified as a Variant of Uncertain Significance. This sequence change replaces arginine, which is basic and polar, with leucine, which is neutral and non-polar, at codon 376 of the PDGFRA protein (p.Arg376Leu).

NM_006206.6(PDGFRA):c.1127G>T (p.Arg376Leu)

Gene: PDGFRA (platelet derived growth factor receptor alpha; plus strand). Cytogenetic location: 4q12.
Variant type: single nucleotide variant.
Coding change: c.1127G>T on transcript NM_006206.6 (MANE Select); coding-DNA position 1127, G replaced by T.
Protein change: p.Arg376Leu; replaces arginine 376 with leucine.
Molecular consequence: missense variant.
Genome position (GRCh38, 1-based): chr4:54,270,638, G>T. VCF-style: chr4-54270638-G-T. GRCh37 (hg19) VCF-style: chr4-55136805-G-T.
Other names: c.1127G>T, p.Arg376Leu (NM_001347827.2, NM_001347829.2); c.1202G>T, p.Arg401Leu (NM_001347828.2); c.1166G>T, p.Arg389Leu (NM_001347830.2); short protein forms R376L, R401L, R389L.
Identifiers: ClinVar variation 2071947 (VCV002071947.4), dbSNP rs41279521, ClinGen allele CA356891873.